The following is an entry in ClinVar:

NM_006348.5(COG5):c.776A>G (p.Asn259Ser)

Gene: COG5 (component of oligomeric golgi complex 5; minus strand). Cytogenetic location: 7q22.3.
Variant type: single nucleotide variant.
Coding change: c.776A>G on transcript NM_006348.5 (MANE Select); coding-DNA position 776, A replaced by G.
Protein change: p.Asn259Ser; replaces asparagine 259 with serine.
Molecular consequence: missense variant. On other transcripts: intron variant (2).
Genome position (GRCh38, 1-based): chr7:107,372,654, T>C on the plus strand (A>G on the coding strand, the complement: COG5 is on the minus strand). VCF-style: chr7-107372654-T-C. GRCh37 (hg19) VCF-style: chr7-107013099-T-C.
Other names: c.776A>G, p.Asn259Ser (NM_001161520.2, NM_001379511.1, NM_001379512.1 and 3 more transcripts); c.235-10544A>G (NM_001379516.1); c.539-74308A>G (NM_001379515.1); short protein forms N259S.
Identifiers: ClinVar variation 1445649 (VCV001445649.6), dbSNP rs2129050118, ClinGen allele CA368940792.

ClinVar aggregate classification (germline): Uncertain significance (1 of 4 stars; one submission).

Conditions:
COG5-congenital disorder of glycosylation. Also called: CDG IIi; CONGENITAL DISORDER OF GLYCOSYLATION, TYPE IIi; COG5-CDG. Identifiers: Orphanet 263487, MedGen C3150876, MONDO:0013325, OMIM 613612.

Submission:

Labcorp Genetics (formerly Invitae), Labcorp
Classification: Uncertain significance for COG5-congenital disorder of glycosylation. Last evaluated: 2022-07-06. Review status: criteria provided, single submitter. Criteria: Invitae Variant Classification Sherloc (09022015). Collection method: clinical testing. Allele origin: germline.
Comment: This variant is not present in population databases (gnomAD no frequency). This sequence change replaces asparagine, which is neutral and polar, with serine, which is neutral and polar, at codon 290 of the COG5 protein (p.Asn290Ser). This variant has not been reported in the literature in individuals affected with COG5-related conditions. In summary, the available evidence is currently insufficient to determine the role of this variant in disease. Therefore, it has been classified as a Variant of Uncertain Significance. Algorithms developed to predict the effect of missense changes on protein structure and function output the following: SIFT: "Tolerated"; PolyPhen-2: "Benign"; Align-GVGD: "Class C0". The serine amino acid residue is found in multiple mammalian species, which suggests that this missense change does not adversely affect protein function. ClinVar contains an entry for this variant (Variation ID: 1445649).